The following is an entry in ClinVar:

NM_199420.4(POLQ):c.2639T>C (p.Val880Ala)

Gene: POLQ (DNA polymerase theta; minus strand). Cytogenetic location: 3q13.33.
Variant type: single nucleotide variant.
Coding change: c.2639T>C on transcript NM_199420.4 (MANE Select); coding-DNA position 2639, T replaced by C.
Protein change: p.Val880Ala; replaces valine 880 with alanine.
Molecular consequence: missense variant.
Genome position (GRCh38, 1-based): chr3:121,490,292, A>G on the plus strand (T>C on the coding strand, the complement: POLQ is on the minus strand). VCF-style: chr3-121490292-A-G. GRCh37 (hg19) VCF-style: chr3-121209139-A-G.
Other names: short protein forms V880A.
Identifiers: ClinVar variation 3229892 (VCV003229892.1), dbSNP rs777193084, ClinGen allele CA354105468.

ClinVar aggregate classification (germline): Uncertain significance (1 of 4 stars; one submission).

gnomAD v4.1: 1 of 1,614,204 alleles (0.000062%); highest among the groups gnomAD compares: South Asian, 0.0011%; no homozygotes.

Submission:

Ambry Genetics
Classification: Uncertain significance. Last evaluated: 2024-02-16. Review status: criteria provided, single submitter. Criteria: Ambry Variant Classification Scheme 2023. Collection method: clinical testing. Allele origin: germline.
Comment: The p.V880A variant (also known as c.2639T>C), located in coding exon 16 of the POLQ gene, results from a T to C substitution at nucleotide position 2639. The valine at codon 880 is replaced by alanine, an amino acid with similar properties. This amino acid position is conserved. In addition, the in silico prediction for this alteration is inconclusive. Based on the available evidence, the clinical significance of this alteration remains unclear.